The following is an entry in ClinVar:

NM_030787.4(CFHR5):c.1385C>T (p.Ser462Leu)

Gene: CFHR5 (complement factor H related 5; plus strand). Cytogenetic location: 1q31.3.
Variant type: single nucleotide variant.
Coding change: c.1385C>T on transcript NM_030787.4 (MANE Select); coding-DNA position 1385, C replaced by T.
Protein change: p.Ser462Leu; replaces serine 462 with leucine.
Molecular consequence: missense variant.
Genome position (GRCh38, 1-based): chr1:197,004,715, C>T. VCF-style: chr1-197004715-C-T. GRCh37 (hg19) VCF-style: chr1-196973845-C-T.
Other names: short protein forms S462L.
Identifiers: ClinVar variation 2173391 (VCV002173391.4), dbSNP rs373865739, ClinGen allele CA1308066.

ClinVar aggregate classification (germline): Uncertain significance (1 of 4 stars; one submission).

Allele frequency attached by ClinVar (database versions not stated): gnomAD 0.00002; gnomAD exomes 0.00003; TOPMed 0.00003; ESP Exome Variant Server 0.00008; ExAC 0.00002.
gnomAD v4.1: 44 of 1,613,384 alleles (0.0027%); highest among the groups gnomAD compares: Admixed American, 0.01%; no homozygotes.

Submission:

Labcorp Genetics (formerly Invitae), Labcorp
Classification: Uncertain significance. Last evaluated: 2023-10-13. Review status: criteria provided, single submitter. Criteria: Invitae Variant Classification Sherloc (09022015). Collection method: clinical testing. Allele origin: germline.
Comment: This sequence change replaces serine, which is neutral and polar, with leucine, which is neutral and non-polar, at codon 462 of the CFHR5 protein (p.Ser462Leu). This variant is present in population databases (rs373865739, gnomAD 0.01%). This variant has not been reported in the literature in individuals affected with CFHR5-related conditions. ClinVar contains an entry for this variant (Variation ID: 2173391). Advanced modeling of protein sequence and biophysical properties (such as structural, functional, and spatial information, amino acid conservation, physicochemical variation, residue mobility, and thermodynamic stability) performed at Invitae indicates that this missense variant is not expected to disrupt CFHR5 protein function. In summary, the available evidence is currently insufficient to determine the role of this variant in disease. Therefore, it has been classified as a Variant of Uncertain Significance.